The following is an entry in ClinVar:

ClinVar aggregate classification (germline): Likely benign (1 of 4 stars; one submission).

Allele frequency attached by ClinVar (database versions not stated): gnomAD 0.00054; TOPMed 0.00054; 1000 Genomes Project 30x 0.00156; 1000 Genomes Project 0.00180.
gnomAD v4.1: 619 of 1,613,404 alleles (0.038%); highest among the groups gnomAD compares: East Asian, 1.3%; 9 homozygotes.

Submission:

GeneDx
Classification: Likely benign. Last evaluated: 2017-07-10. Review status: criteria provided, single submitter. Criteria: GeneDx Variant Classification (06012015). Collection method: clinical testing. Allele origin: germline. Affected: yes.
Comment: This variant is considered likely benign or benign based on one or more of the following criteria: it is a conservative change, it occurs at a poorly conserved position in the protein, it is predicted to be benign by multiple in silico algorithms, and/or has population frequency not consistent with disease.

NM_025233.7(COASY):c.-116C>T

Genes: COASY (Coenzyme A synthase; plus strand), LOC130060908 (ATAC-STARR-seq lymphoblastoid active region 12207; plus strand). Cytogenetic location: 17q21.2.
Variant type: single nucleotide variant.
Coding change: c.-116C>T on transcript NM_025233.7 (MANE Select); 116 bases upstream of the start codon, C replaced by T.
Molecular consequence: 5 prime UTR variant. On other transcripts: intron variant (2).
Genome position (GRCh38, 1-based): chr17:42,562,507, C>T. VCF-style: chr17-42562507-C-T. GRCh37 (hg19) VCF-style: chr17-40714525-C-T.
Other names: c.76+20C>T (NM_001042532.4); c.-11-105C>T (NM_001042529.3).
Identifiers: ClinVar variation 510582 (VCV000510582.1), dbSNP rs2301132, ClinGen allele CA8577866.